The following is an entry in ClinVar:

ClinVar aggregate classification (germline): Uncertain significance (1 of 4 stars; one submission).

Submission:

Labcorp Genetics (formerly Invitae), Labcorp
Classification: Uncertain significance. Last evaluated: 2023-11-13. Review status: criteria provided, single submitter. Criteria: Invitae Variant Classification Sherloc (09022015). Collection method: clinical testing. Allele origin: germline.
Comment: This sequence change replaces histidine, which is basic and polar, with tyrosine, which is neutral and polar, at codon 260 of the FBLN5 protein (p.His260Tyr). This variant is not present in population databases (gnomAD no frequency). This variant has not been reported in the literature in individuals affected with FBLN5-related conditions. Advanced modeling of protein sequence and biophysical properties (such as structural, functional, and spatial information, amino acid conservation, physicochemical variation, residue mobility, and thermodynamic stability) performed at Invitae indicates that this missense variant is not expected to disrupt FBLN5 protein function with a negative predictive value of 80%. In summary, the available evidence is currently insufficient to determine the role of this variant in disease. Therefore, it has been classified as a Variant of Uncertain Significance.

NM_006329.4(FBLN5):c.778C>T (p.His260Tyr)

Gene: FBLN5 (fibulin 5; minus strand). Cytogenetic location: 14q32.12.
Variant type: single nucleotide variant.
Coding change: c.778C>T on transcript NM_006329.4 (MANE Select); coding-DNA position 778, C replaced by T.
Protein change: p.His260Tyr; replaces histidine 260 with tyrosine.
Molecular consequence: missense variant.
Genome position (GRCh38, 1-based): chr14:91,883,038, G>A on the plus strand (C>T on the coding strand, the complement: FBLN5 is on the minus strand). VCF-style: chr14-91883038-G-A. GRCh37 (hg19) VCF-style: chr14-92349382-G-A.
Other names: c.901C>T, p.His301Tyr (NM_001384158.1); c.829C>T, p.His277Tyr (NM_001384159.1); c.778C>T, p.His260Tyr (NM_001384160.1); c.610C>T, p.His204Tyr (NM_001384161.1, NM_001384162.1); short protein forms H277Y, H301Y, H204Y, H260Y.
Identifiers: ClinVar variation 2867501 (VCV002867501.3), dbSNP rs2542770259, ClinGen allele CA390642411.